The following is an entry in ClinVar:

NM_207037.2(TCF12):c.1593_1594del (p.Gln533fs)

Gene: TCF12 (transcription factor 12; plus strand). Cytogenetic location: 15q21.3.
Variant type: Deletion.
Coding change: c.1593_1594del on transcript NM_207037.2 (MANE Select); coding-DNA positions 1593 to 1594, 2 bases deleted (AA; older notation c.1593_1594delAA).
Protein change: p.Gln533fs; shifts the reading frame from glutamine 533.
Molecular consequence: frameshift variant.
Genome position (GRCh38, 1-based): chr15:57,263,122-57,263,123, AA deleted; deleting any 2 consecutive bases within chr15:57,263,121-57,263,123 gives the same sequence; the c. name uses the placement nearest the transcript's 3' end. VCF-style (leftmost placement, unchanged base first): chr15-57263120-CAA-C. GRCh37 (hg19) VCF-style: chr15-57555318-CAA-C.
Other names: c.1083_1084del, p.Gln363fs (NM_001306219.3); c.813_814del, p.Gln273fs (NM_001306220.3); c.1593_1594del, p.Gln533fs (NM_001322151.2, NM_001322152.2, NM_001322159.3 and 2 more transcripts); c.936_937del, p.Gln314fs (NM_001322154.2); c.1419_1420del, p.Gln475fs (NM_001322156.2); c.1521_1522del, p.Gln509fs (NM_001322157.3, NM_001322165.2, NM_003205.4 and 1 more transcripts); c.1347_1348del, p.Gln451fs (NM_001322158.2); c.1590_1591del, p.Gln532fs (NM_001322161.2); and 2 more; short protein forms Q451fs, Q273fs, Q532fs, Q533fs, Q314fs, Q475fs, Q339fs, Q363fs.
Identifiers: ClinVar variation 2761017 (VCV002761017.3), dbSNP rs2551492629, ClinGen allele CA2697549120.

ClinVar aggregate classification (germline): Pathogenic (1 of 4 stars; one submission).

Submission:

Labcorp Genetics (formerly Invitae), Labcorp
Classification: Pathogenic. Last evaluated: 2023-09-26. Review status: criteria provided, single submitter. Criteria: Invitae Variant Classification Sherloc (09022015). Collection method: clinical testing. Allele origin: germline.
Comment: For these reasons, this variant has been classified as Pathogenic. This variant has not been reported in the literature in individuals affected with TCF12-related conditions. This variant is not present in population databases (gnomAD no frequency). This sequence change creates a premature translational stop signal (p.Gln533Valfs*12) in the TCF12 gene. It is expected to result in an absent or disrupted protein product. Loss-of-function variants in TCF12 are known to be pathogenic (PMID: 23354436, 32620954).

Literature cited by the submitters: PubMed 23354436; PubMed 32620954.